The following is an entry in ClinVar:

NM_000142.5(FGFR3):c.1948A>C (p.Lys650Gln)

Gene: FGFR3 (fibroblast growth factor receptor 3; plus strand). Cytogenetic location: 4p16.3.
Variant type: single nucleotide variant.
Coding change: c.1948A>C on transcript NM_000142.5 (MANE Select); coding-DNA position 1948, A replaced by C.
Protein change: p.Lys650Gln; replaces lysine 650 with glutamine.
Molecular consequence: missense variant. On other transcripts: non-coding transcript variant (1).
Genome position (GRCh38, 1-based): chr4:1,806,162, A>C. VCF-style: chr4-1806162-A-C. GRCh37 (hg19) VCF-style: chr4-1807889-A-C.
Other names: c.1954A>C, p.Lys652Gln (NM_001163213.2); c.1951A>C, p.Lys651Gln (NM_001354809.2, NM_001354810.2); c.1612A>C, p.Lys538Gln (NM_022965.4); short protein forms K650Q, K652Q, K651Q, K538Q.
Identifiers: ClinVar variation 16348 (VCV000016348.23), dbSNP rs78311289, ClinGen allele CA170755.

ClinVar aggregate classification (germline): Pathogenic. Review status: criteria provided, multiple submitters, no conflicts (2 of 4 stars). 10 submissions from 9 submitters: Pathogenic (6). 4 of the submissions do not count toward it. Last evaluated 2026-06-23.

Conditions:
FGFR3-related chondrodysplasia. Identifiers: Orphanet 93420, MedGen C5681604, MONDO:0019685.
Malignant tumor of urinary bladder. Also called: Urinary Bladder Neoplasms; Bladder cancer; Urinary bladder cancer. Identifiers: MedGen C0005684, MONDO:0001187, OMIM 109800.
Hypochondroplasia (HCH). Identifiers: Orphanet 429, MedGen C0410529, MONDO:0007793, OMIM 146000. Disease mechanism: gain of function.

Allele frequency attached by ClinVar (database versions not stated): ExAC 0.00001; gnomAD exomes below 0.00001.
gnomAD v4.1: 2 of 1,613,024 alleles (0.00012%); highest among the groups gnomAD compares: African/African-American, 0.0013%; no homozygotes.

Submissions (10):

Genomenon, Inc
Classification: Pathogenic for FGFR3-related chondrodysplasia. Last evaluated: 2026-06-23. Review status: criteria provided, single submitter. Criteria: Genomenon Sequence Variant Interpretation Standards - Updated. Collection method: curation. Allele origin: germline. Affected: yes.
Comment: FGFR3 p.Lys650Gln (c.1948A>C) is a missense variant that changes the amino acid at codon 650 from Lysine to Glutamine. This variant has been observed in multiple probands affected with an FGFR3-related disorder (PMID:37814549;31708465;30168875;16912704;18000903;20453470;21510009;11055896). The variant was found to segregate with disease in at least one affected family (PMID:31708465;30168875). A de novo occurrence of this variant has been observed in at least one affected individual (PMID:18000903). At least one functional study has demonstrated a substantial alteration in protein function relative to the wild-type (PMID:23871672;11055896;8754806). It is absent or not present at a significant frequency in gnomAD. In silico models predict that this variant is possibly or probably damaging. In conclusion, we classify FGFR3 p.Lys650Gln (c.1948A>C) as a pathogenic variant.

Labcorp Genetics (formerly Invitae), Labcorp
Classification: Pathogenic. Last evaluated: 2025-01-06. Review status: criteria provided, single submitter. Criteria: Invitae Variant Classification Sherloc (09022015). Collection method: clinical testing. Allele origin: germline.
Comment: This sequence change replaces lysine, which is basic and polar, with glutamine, which is neutral and polar, at codon 650 of the FGFR3 protein (p.Lys650Gln). This variant is present in population databases (rs78311289, gnomAD 0.007%). This missense change has been observed in individual(s) with hypochondroplasia with or without acanthosis nigricans and/or hyperinsulinemia (PMID: 11055896, 16912704, 20453470, 21510009). In at least one individual the variant was observed to be de novo. ClinVar contains an entry for this variant (Variation ID: 16348). Invitae Evidence Modeling incorporating data from in vitro experimental studies (internal data) indicates that this missense variant is expected to disrupt FGFR3 function with a positive predictive value of 95%. Experimental studies have shown that this missense change affects FGFR3 function (PMID: 11055896). For these reasons, this variant has been classified as Pathogenic.

Victorian Clinical Genetics Services, Murdoch Childrens Research Institute
Classification: Pathogenic for Hypochondroplasia. Last evaluated: 2024-10-10. Review status: criteria provided, single submitter. Criteria: ACMG Guidelines, 2015. Collection method: clinical testing. Allele origin: germline. Inheritance: Autosomal dominant inheritance.
Comment: Based on the classification scheme VCGS_Germline_v1.3.5, this variant is classified as Pathogenic. Following criteria are met: 0101 - Gain of function is a known mechanism of disease in this gene and is associated with autosomal dominant skeletal dysplasias (OMIM). Additionally, autosomal recessive and dominant CATSHL syndrome (MIM#610474) is suspected to be due to variants with a loss of function and dominant negative mechanism, respectively (PMID: 25614871, 24864036). (I) 0108 - This gene is associated with both recessive and dominant disease (OMIM). (I) 0112 - The condition associated with this gene has incomplete penetrance. Individuals with Muenke syndrome have been shown to inherit pathogenic variants from an asymptomatic parent (PMID: 26740388, 18000976). (I) 0115 - Variants in this gene are known to have variable expressivity. There is a wide range of clinical symptoms with variable expressivity in LADD and Muenke syndrome patients, even within the same family (PMID: 26740388, 16501574). (I) 0200 - Variant is predicted to result in a missense amino acid change from lysine to glutamine. (I) 0251 - This variant is heterozygous. (I) 0304 - Variant is present in gnomAD (v4) <0.01 (2 heterozygotes, 0 homozygote). (SP) 0309 - Multiple alternative amino acid changes at the same position have been observed in gnomAD (v4) (4 heterozygotes, 0 homozygotes). (I) 0501 - Missense variant consistently predicted to be damaging by multiple in silico tools or highly conserved with a major amino acid change. (SP) 0600 - Variant is located in the annotated protein tyrosine and serine/threonine kinase domain (DECIPHER). (I) 0801 - This variant has strong previous evidence of pathogenicity in unrelated individuals. This variant has been classified as pathogenic by clinical laboratories. This variant has also been observed in multiple unrelated heterozygous individuals with hypochondroplasia and acanthosis nigricans, as well as hyperinsulinemia in one case (PMID: 31708465, 30168875, 21510009, 16912704, 18000903, 20453470, 11055896). (I) Legend: (SP) - Supporting pathogenic, (I) - Information, (SB) - Supporting benign

3billion
Classification: Pathogenic for Hypochondroplasia. Last evaluated: 2024-01-11. Review status: criteria provided, single submitter. Criteria: ACMG Guidelines, 2015. Collection method: clinical testing. Allele origin: germline. Affected: yes.
Comment: The variant is observed at an extremely low frequency in the gnomAD v2.1.1 dataset (total allele frequency: <0.001%). Predicted Consequence/Location: Missense changes are a common disease-causing mechanism. In silico tool predictions suggest damaging effect of the variant on gene or gene product [REVEL: 0.77 (>=0.6, sensitivity 0.68 and specificity 0.92); 3Cnet: 0.96 (>=0.6, sensitivity 0.72 and precision 0.9)]. Same nucleotide change resulting in same amino acid change has been previously reported as pathogenic/likely pathogenic with strong evidence (ClinVar ID: VCV000016348 /PMID: 11055896). Different missense changes at the same codon (p.Lys650Asn, p.Lys650Glu, p.Lys650Met, p.Lys650Thr) have been reported as pathogenic/likely pathogenic with strong evidence (ClinVar ID: VCV000016331, VCV000016341, VCV000016346, VCV000016347, VCV000065855 /PMID: 10671061, 11055896, 17875876, 7773297). Therefore, this variant is classified as Pathogenic according to the recommendation of ACMG/AMP guideline.

Laboratory of Medical Genetics, National & Kapodistrian University of Athens
Classification: Pathogenic for Hypochondroplasia. Last evaluated: 2023-12-22. Review status: criteria provided, single submitter. Criteria: ACMG Guidelines, 2015. Collection method: clinical testing. Allele origin: germline. Affected: yes.
Comment: PS4, PM1, PM2, PM5, PP3, PP5 - The variant has been reported in ClinVar as Pathogenic by other laboratories (Variation ID 16348). This missense change has been observed in individual(s) with hypochondroplasia with or without acanthosis nigricans and/or hyperinsulinemia (PMID: 20453470).

Mendelics
Classification: Pathogenic for Hypochondroplasia. Last evaluated: 2023-06-02. Review status: criteria provided, single submitter. Criteria: Mendelics Assertion Criteria 2017. Collection method: clinical testing. Allele origin: unknown.

Clinical Molecular Genetics Laboratory, Johns Hopkins All Children's Hospital
Classification: Pathogenic for Hypochondroplasia. Last evaluated: 2015-01-23. Review status: no assertion criteria provided. Collection method: clinical testing. Allele origin: germline. Affected: yes. Not counted in ClinVar's aggregate classification.

OMIM
Classification: Pathogenic for HYPOCHONDROPLASIA. Last evaluated: 2007-12-15. Review status: no assertion criteria provided. Collection method: literature only. Allele origin: germline. Not counted in ClinVar's aggregate classification.

OMIM
Classification: Pathogenic for BLADDER CANCER, SOMATIC. Last evaluated: 2007-12-15. Review status: no assertion criteria provided. Collection method: literature only. Allele origin: somatic. Not counted in ClinVar's aggregate classification.

GeneReviews
No classification provided. Condition: Hypochondroplasia. Review status: no classification provided. Collection method: literature only. Allele origin: germline. Not counted in ClinVar's aggregate classification.
Comment: Greater likelihood of developing acanthosis nigricans [Berk et al 2010, Blomberg et al 2010]

Literature cited by the submitters: PubMed 37814549 (cited by Genomenon, Inc); PubMed 31708465 (cited by Genomenon, Inc and Victorian Clinical Genetics Services, Murdoch Childrens Research Institute); PubMed 30168875 (cited by Genomenon, Inc and Victorian Clinical Genetics Services, Murdoch Childrens Research Institute); PubMed 16912704 (cited by 4 submitters); PubMed 18000903 (cited by 3 submitters); PubMed 20453470 (cited by 4 submitters); PubMed 21510009 (cited by 4 submitters); PubMed 11055896 (cited by 5 submitters); PubMed 23871672 (cited by Genomenon, Inc); PubMed 8754806 (cited by Genomenon, Inc); PubMed 16501574 (cited by Victorian Clinical Genetics Services, Murdoch Childrens Research Institute); PubMed 18000976 (cited by Victorian Clinical Genetics Services, Murdoch Childrens Research Institute); PubMed 24864036 (cited by Victorian Clinical Genetics Services, Murdoch Childrens Research Institute); PubMed 25614871 (cited by Victorian Clinical Genetics Services, Murdoch Childrens Research Institute); PubMed 26740388 (cited by Victorian Clinical Genetics Services, Murdoch Childrens Research Institute); PubMed 10671061 (cited by 3billion); PubMed 11314002 (cited by OMIM); NCBI Bookshelf NBK1477 (cited by GeneReviews).